The following is an entry in ClinVar:

ClinVar aggregate classification (germline): Uncertain significance. Review status: criteria provided, multiple submitters, no conflicts (2 of 4 stars). 2 submissions from 2 submitters: Uncertain significance (2). Last evaluated 2024-10-10.

Submissions (2):

Mayo Clinic Laboratories, Mayo Clinic
Classification: Uncertain significance. Last evaluated: 2024-10-10. Review status: criteria provided, single submitter. Criteria: ACMG Guidelines, 2015. Collection method: clinical testing. Allele origin: germline. Observed: 1 variant allele.
Comment: BP4, PM2_supporting

Ambry Genetics
Classification: Uncertain significance. Last evaluated: 2024-07-07. Review status: criteria provided, single submitter. Criteria: Ambry Variant Classification Scheme 2023. Collection method: clinical testing. Allele origin: germline.

NM_000407.5(GP1BB):c.239C>T (p.Ala80Val)

Genes: GP1BB (glycoprotein Ib platelet subunit beta; plus strand), SEPT5-GP1BB (SEPT5-GP1BB readthrough; plus strand). Cytogenetic location: 22q11.21.
Variant type: single nucleotide variant.
Coding change: c.239C>T on transcript NM_000407.5 (MANE Select); coding-DNA position 239, C replaced by T.
Protein change: p.Ala80Val; replaces alanine 80 with valine.
Molecular consequence: missense variant. On other transcripts: non-coding transcript variant (2).
Genome position (GRCh38, 1-based): chr22:19,724,082, C>T. VCF-style: chr22-19724082-C-T. GRCh37 (hg19) VCF-style: chr22-19711605-C-T.
Other names: p.Ala80Val; short protein forms A80V.
Identifiers: ClinVar variation 3521362 (VCV003521362.2).
Genomic context (GRCh38, chr22:19,724,082, plus strand): 5'-TGGTGCTGACCGGCAACAACCTGACGGCGCTGCCGCCGGGGCTGCTGGACGCGCTGCCCG[C>T]GCTGCGCACCGCACACCTGGGCGCCAACCCCTGGCGCTGCGACTGCCGCCTTGTGCCGCT-3'
Protein context (NP_000398.1, residues 70-90): LPPGLLDALP[Ala80Val]LRTAHLGANP